The following continues an entry in ClinVar:

NM_000435.3(NOTCH3):c.1630C>T (p.Arg544Cys)

Gene: NOTCH3. ClinVar aggregate classification (germline): Pathogenic/Likely pathogenic. Pathogenic (14); Likely pathogenic (7).

Submissions 12 to 18 of 22:

Victorian Clinical Genetics Services, Murdoch Childrens Research Institute
Classification: Pathogenic for Cerebral arteriopathy, autosomal dominant, with subcortical infarcts and leukoencephalopathy, type 1. Last evaluated: 2024-10-08. Review status: criteria provided, single submitter. Criteria: ACMG Guidelines, 2015. Collection method: clinical testing. Allele origin: germline. Inheritance: Autosomal dominant inheritance. Affected: yes.
Comment: Based on the classification scheme VCGS_Germline_v1.3.4, this variant is classified as Pathogenic. Following criteria are met: 0105 - The mechanism of disease for this gene is not clearly established. Both loss of function and dominant negative have been suggested as mechanisms in CADASIL (MIM#125310), however lateral meningocele syndrome (MIM#130720) results from a gain of function (OMIM). (I) 0107 - This gene is associated with autosomal dominant disease. (I) 0115 - Variants in this gene are known to have variable expressivity. The p.(Arg544Cys) variant is associated with a later age of onset and milder clinical features than other NOTCH3 variants (GeneReviews, PMID: 26308724). (I) 0200 - Variant is predicted to result in a missense amino acid change from arginine to cysteine. (I) 0251 - This variant is heterozygous. (I) 0309 - Alternative amino acid changes at the same position have been observed in gnomAD (v3) (8 heterozygotes, 0 homozygotes). (I) 0310 - Variant is present in gnomAD (v2) >=0.001 and <0.01 for a dominant condition (83 heterozygotes, 0 homozygotes). (I) 0501 - Missense variant consistently predicted to be damaging by multiple in silico tools or highly conserved with a major amino acid change. (SP) 0604 - Variant is not located in an established domain, motif, hotspot or informative constraint region. (I) 0801 - This variant has very strong previous evidence of pathogenicity in unrelated individuals. This is considered to be a founder variant in East Asian populations and is one of the most common NOTCH3 variants, having been identified in over 100 individuals and families with CADASIL (MIM#125310) (ClinVar, HGMD, LOVD, PMIDs: PMID: 26308724, 30656190). (SP) 1102 - Strong phenotype match for this individual. (SP) 1208 - Inheritance information for this variant is not currently available in this individual. (I) Legend: (SP) - Supporting pathogenic, (I) - Information, (SB) - Supporting benign

ARUP Laboratories, Molecular Genetics and Genomics, ARUP Laboratories
Classification: Pathogenic. Last evaluated: 2024-08-09. Review status: criteria provided, single submitter. Criteria: ARUP Molecular Germline Variant Investigation Process 2024. Collection method: clinical testing. Allele origin: germline.
Comment: The NOTCH3 c.1630C>T; p.Arg544Cys variant (rs201118034; ClinVar Variation ID: 546089) is reported in the literature in numerous individuals with CADASIL and segregates with disease in families (Choi 2013, Hu 2021, Liao 2015, Tang 2018, Yoon 2015). The p.Arg544Cys variant is a founder variant and one of the most common variants found in East Asian individuals affected with CADASIL (Hu 2021, Liao 2015, Choi 2013, Hack 2019, Ni 2022). This variant is reported in the East Asian population with an allele frequency of 0.4% (79/19916 alleles) in the Genome Aggregation Database. The arginine at codon 544 is moderately conserved, but computational analyses are uncertain whether this variant is neutral or deleterious (REVEL: 0.574). However, this variant creates a cysteine in an EGF-like domain and most pathogenic NOTCH3 variants create or destroy a cysteine residue within an EGF-like domain (Rutten 2014); thus, the p.Arg544Cys variant is consistent with the predominant mechanism of disease in NOTCH3. Considering available information, this variant is classified as pathogenic. References: Choi JC et al. Diversity of stroke presentation in CADASIL: study from patients harboring the predominant NOTCH3 mutation R544C. J Stroke Cerebrovasc Dis. 2013 Feb;22(2):126-31. PMID: 21852154. Hack RJ et al. 2019. GeneReviews. Available from an online resource Hu Y et al. NOTCH3 Variants and Genotype-Phenotype Features in Chinese CADASIL Patients. Front Genet. 2021 Jul 15;12:705284. PMID: 34335700. Liao YC et al. Characterization of CADASIL among the Han Chinese in Taiwan: Distinct Genotypic and Phenotypic Profiles. PLoS One. 2015 Aug 26;10(8):e0136501. PMID: 26308724 Ni W et al. Genetic spectrum of NOTCH3 and clinical phenotype of CADASIL patients in different populations. CNS Neurosci Ther. 2022 Nov;28(11):1779-1789. PMID: 35822697 Rutten JW et al. Interpretation of NOTCH3 mutations in the diagnosis of CADASIL. Expert Rev Mol Diagn. 2014 Jun;14(5):593-603. PMID: 24844136. Tang SC et al. Prevalence and clinical characteristics of stroke patients with p.R544C NOTCH3 mutation in Taiwan. Ann Clin Transl Neurol. 2018 Nov 20;6(1):121-128. PMID: 30656190 Yoon CW et al. NOTCH3 variants in patients with subcortical vascular cognitive impairment: a comparison with typical CADASIL patients. Neurobiol Aging. 2015 Aug;36(8):2443.e1-7. PMID: 26002683.

Pittsburgh Clinical Genomics Laboratory, University of Pittsburgh Medical Center
Classification: Likely pathogenic for Lateral meningocele syndrome. Last evaluated: 2024-05-24. Review status: criteria provided, single submitter. Criteria: ACMG Guidelines, 2015. Collection method: clinical testing. Allele origin: germline. Inheritance: Autosomal dominant inheritance. Affected: yes.
Comment: This sequence variant is a single nucleotide substitution (C>T) at position 1630 of the coding sequence of the NOTCH3 gene that results in an arginine to cysteine amino acid change at residue 544 of the notch receptor 3 protein. The 544 residue falls in the EGF-like domain 14 (UniProt). This is a previously reported variant (ClinVar 546089) that has been observed in individuals with phenotypes consistent with cerebral Autosomal dominant inheritance arteriopathy with subcortical infarcts and leukoencephalopathy (PMID: 10371548, 11571335, 12821764, 16580020, 16717210, 17135568, 18207319, 19242647, 19252787, 19488673, 20975277, 22133740, 22259617, 21852154, 23602593, 23847153, 24139282). This variant is present in 96 of 1613780 alleles (0.006%) in the gnomAD v4.1.0 population dataset with evidence that it is a founder variant in East Asian populations (PMID: 19242647, 26308724). Multiple bioinformatic tools predict that this amino acid change would be damaging, and the Arg544 residue at this position is moderately conserved across the vertebrate species examined. Studies examining the functional consequence of this variant have not been published, to our knowledge. Based upon the evidence, we consider this variant to be likely pathogenic. ACMG Criteria: PP2, PP3, PS4

Mendelics
Classification: Pathogenic for Cerebral arteriopathy, autosomal dominant, with subcortical infarcts and leukoencephalopathy, type 1. Last evaluated: 2022-05-04. Review status: criteria provided, single submitter. Criteria: Mendelics Assertion Criteria 2019. Collection method: clinical testing. Allele origin: germline.

Women's Health and Genetics/Laboratory Corporation of America, LabCorp
Classification: Pathogenic for Cerebral arteriopathy with subcortical infarcts and leukoencephalopathy. Last evaluated: 2021-12-23. Review status: criteria provided, single submitter. Criteria: LabCorp Variant Classification Summary - May 2015. Collection method: clinical testing. Allele origin: germline.
Comment: Variant summary: NOTCH3 c.1630C>T (p.Arg544Cys) results in a non-conservative amino acid change at a location bordered between the EGFR-13 and EGFR-14 domains (IPR000742) of the encoded protein sequence. This is different from other cysteine involving mutations residing within an EGFR domain and therefore, comparing with other cysteine-involving NOTCH3 mutations, R544C may result in a milder conformational change of NOTCH3 molecules and consequently a milder clinical phenotype (Liao_2015). Gain/loss of cysteine residues in the EGFr domains in NOTCH3 have been shown to be typical mutations of CADASIL and NOTCH3-related disorders (reviewed by Mizuno_2020). Five of five in-silico tools predict a damaging effect of the variant on protein function. The variant allele was found at a frequency of 0.00032 in 250312 control chromosomes, particularly at a frequency of 0.0041 within the East Asian subpopulation in the gnomAD database. c.1630C>T has been reported in the literature in multiple individuals/families (mainly of East Asian origin) affected with CADASIL and NOTCH3-Related Disorders (example: Oberstein_1999, Kim_2006, Soong_2013, Liao_2015). Asymptomatic individuals with the variant have also been reported within affected families (example: Kim_2006, Liao_2015). Recent data suggest that CADASIL is much more prevalent than previously suspected and the NOTCH3 clinical spectrum must be considerably broader, ranging from classic CADASIL to a much milder small-vessel disease, or possibly even non-penetrance (Hack RJ, Rutten J, Lesnik Oberstein SAJ. CADASIL. 2000 Mar 15 [Updated 2019 Mar 14]. In: Adam MP, Ardinger HH, Pagon RA, et al., editors. GeneReviews [Internet]. Seattle (WA): University of Washington, Seattle; 1993-2021). These data indicate that the variant is very likely to be associated with disease. To our knowledge, no experimental evidence demonstrating an impact on protein function has been reported. Seven ClinVar submitters have assessed this variant since 2014: four have classified the variant as likely pathogenic and three as pathogenic. Based on the evidence outlined above, the variant was classified as pathogenic.

Fulgent Genetics
Classification: Likely pathogenic for Cerebral arteriopathy, autosomal dominant, with subcortical infarcts and leukoencephalopathy, type 1; Lateral meningocele syndrome; Myofibromatosis, infantile, 2. Last evaluated: 2021-11-06. Review status: criteria provided, single submitter. Criteria: ACMG Guidelines, 2015. Collection method: clinical testing. Allele origin: unknown.

Illumina Laboratory Services, Illumina
Classification: Pathogenic for Cerebral arteriopathy, autosomal dominant, with subcortical infarcts and leukoencephalopathy, type 1. Last evaluated: 2019-04-05. Review status: criteria provided, single submitter. Criteria: ICSL Variant Classification Criteria 09 May 2019. Collection method: clinical testing. Allele origin: germline.
Comment: The NOTCH3 c.1630C>T (p.Arg544Cys) missense variant has been reported extensively in the literature, particularly in individuals affected with cerebral autosomal dominant arteriopathy with subcortical infarcts and leukoencephalopathy (CADASIL) of Asian descent, where the variant appears to be a founder variant (Lee et al. 2009; Choi et al. 2013; Liao et al. 2015). Across a selection of the available literature, the p.Arg544Cys variant has been identified in 155 individuals affected with CADASIL, including four individuals who were homozygous for the variant (Oberstein et al. 1999; Lee et al. 2009b; Choi et al. 2013; Soong et al. 2013; Kim et al. 2014; Liao et al. 2015). Of note, the expressivity of CADASIL varies in age of onset, severity of clinical symptoms and progression of disease (Rutten et al. 2000). The p.Arg544Cys variant was absent from 100 controls and is reported at a frequency of 0.003821 in the East Asian population of the Genome Aggregation Database. Based on the evidence, the p.Arg544Cys variant is classified as pathogenic for cerebral autosomal dominant arteriopathy with subcortical infarcts and leukoencephalopathy. This variant was observed by ICSL as part of a predisposition screen in an ostensibly healthy population.